The following is an entry in ClinVar:

NM_001386795.1(DTNA):c.1479C>T (p.Ile493=)

Gene: DTNA (dystrobrevin alpha; plus strand). Cytogenetic location: 18q12.1.
Variant type: single nucleotide variant.
Coding change: c.1479C>T on transcript NM_001386795.1 (MANE Select); coding-DNA position 1479, C replaced by T.
Protein change: p.Ile493=; no amino-acid change (isoleucine 493 retained).
Molecular consequence: synonymous variant.
Genome position (GRCh38, 1-based): chr18:34,851,875, C>T. VCF-style: chr18-34851875-C-T. GRCh37 (hg19) VCF-style: chr18-32431839-C-T.
Other names: c.1218C>T, p.Ile406= (NM_001198938.2, NM_001198939.2, NM_001198940.2 and 9 more transcripts); c.525C>T, p.Ile175= (NM_001198942.1); c.468C>T, p.Ile156= (NM_001198943.1); c.354C>T, p.Ile118= (NM_001198944.1); c.648C>T, p.Ile216= (NM_001198945.2); c.1308C>T, p.Ile436= (NM_001386754.1, NM_001386755.1, NM_001386756.1 and 4 more transcripts); c.1305C>T, p.Ile435= (NM_001386760.1); c.1227C>T, p.Ile409= (NM_001386761.1, NM_032975.4, NM_032979.5); and 8 more.
Identifiers: ClinVar variation 466626 (VCV000466626.10), dbSNP rs145061501, ClinGen allele CA8935733.

ClinVar aggregate classification (germline): Likely benign. Review status: criteria provided, single submitter (1 of 4 stars). 2 submissions from 2 submitters: Likely benign (1). 1 of the submissions does not count toward it. Last evaluated 2025-02-25.

Conditions:
Left ventricular noncompaction 1 (LVNC1). Also called: LEFT VENTRICULAR NONCOMPACTION 1 WITH OR WITHOUT CONGENITAL HEART DEFECTS. Identifiers: Orphanet 54260, MedGen C1858725, MONDO:0011403, OMIM 604169.
DTNA-related disorder. Also called: DTNA-related condition.

Allele frequency attached by ClinVar (database versions not stated): gnomAD exomes 0.00003 and 0.00005; ExAC 0.00004; gnomAD 0.00007; TOPMed 0.00007; ESP Exome Variant Server 0.00008.
gnomAD v4.1: 77 of 1,613,888 alleles (0.0048%); highest among the groups gnomAD compares: Non-Finnish European, 0.0061%; no homozygotes.

Submissions (2):

Labcorp Genetics (formerly Invitae), Labcorp
Classification: Likely benign for Left ventricular noncompaction 1. Last evaluated: 2025-02-25. Review status: criteria provided, single submitter. Criteria: Invitae Variant Classification Sherloc (09022015). Collection method: clinical testing. Allele origin: germline.

PreventionGenetics, part of Exact Sciences
Classification: Likely benign for DTNA-related condition. Last evaluated: 2021-04-08. Review status: no assertion criteria provided. Collection method: clinical testing. Allele origin: germline. Not counted in ClinVar's aggregate classification.
Comment: This variant is classified as likely benign based on ACMG/AMP sequence variant interpretation guidelines (Richards et al. 2015 PMID: 25741868, with internal and published modifications).